The following is an entry in ClinVar:

ClinVar aggregate classification (germline): Uncertain significance (1 of 4 stars; one submission).

Conditions:
MHC class II deficiency. Also called: Bare lymphocyte syndrome 2; BLS, TYPE II. Identifiers: Orphanet 572, MedGen C5447452, MONDO:0008855.

Submission:

Labcorp Genetics (formerly Invitae), Labcorp
Classification: Uncertain significance for MHC class II deficiency. Last evaluated: 2019-06-15. Review status: criteria provided, single submitter. Criteria: Invitae Variant Classification Sherloc (09022015). Collection method: clinical testing. Allele origin: germline.
Comment: In summary, the available evidence is currently insufficient to determine the role of this variant in disease. Therefore, it has been classified as a Variant of Uncertain Significance. Algorithms developed to predict the effect of missense changes on protein structure and function (SIFT, PolyPhen-2, Align-GVGD) all suggest that this variant is likely to be disruptive, but these predictions have not been confirmed by published functional studies and their clinical significance is uncertain. This variant has not been reported in the literature in individuals with CIITA-related conditions. This variant is not present in population databases (ExAC no frequency). This sequence change replaces glycine with aspartic acid at codon 837 of the CIITA protein (p.Gly837Asp). The glycine residue is highly conserved and there is a moderate physicochemical difference between glycine and aspartic acid.

NM_000246.4(CIITA):c.2510G>A (p.Gly837Asp)

Gene: CIITA (class II major histocompatibility complex transactivator; plus strand). Cytogenetic location: 16p13.13.
Variant type: single nucleotide variant.
Coding change: c.2510G>A on transcript NM_000246.4 (MANE Select); coding-DNA position 2510, G replaced by A.
Protein change: p.Gly837Asp; replaces glycine 837 with aspartic acid.
Molecular consequence: missense variant. On other transcripts: intron variant (1).
Genome position (GRCh38, 1-based): chr16:10,908,002, G>A. VCF-style: chr16-10908002-G-A. GRCh37 (hg19) VCF-style: chr16-11001859-G-A.
Other names: c.2513G>A, p.Gly838Asp (NM_001286402.1, NM_001379332.1); c.2366G>A, p.Gly789Asp (NM_001379330.1); c.2363G>A, p.Gly788Asp (NM_001379331.1); c.2510G>A, p.Gly837Asp (NM_001379333.1); c.2441G>A, p.Gly814Asp (NM_001379334.1); c.860-981G>A (NM_001286403.2); short protein forms G789D, G788D, G837D, G838D, G814D.
Identifiers: ClinVar variation 938674 (VCV000938674.9), dbSNP rs2039296050, ClinGen allele CA394733773.